The following is an entry in ClinVar:

ClinVar aggregate classification (germline): Uncertain significance (1 of 4 stars; one submission).

Conditions:
Hereditary cancer-predisposing syndrome. Also called: Neoplastic Syndromes, Hereditary; Tumor predisposition; Hereditary neoplastic syndrome; Hereditary Cancer Syndrome. Identifiers: Orphanet 140162, MedGen C0027672, MeSH D009386, MONDO:0015356.

Submission:

Ambry Genetics
Classification: Uncertain significance for Hereditary cancer-predisposing syndrome. Last evaluated: 2024-02-02. Review status: criteria provided, single submitter. Criteria: Ambry Variant Classification Scheme 2023. Collection method: clinical testing. Allele origin: germline.
Comment: The p.I1633S variant (also known as c.4898T>G), located in coding exon 37 of the POLE gene, results from a T to G substitution at nucleotide position 4898. The isoleucine at codon 1633 is replaced by serine, an amino acid with dissimilar properties. This amino acid position is conserved. In addition, this alteration is predicted to be deleterious by in silico analysis. Based on the available evidence, the clinical significance of this alteration remains unclear.

NM_006231.4(POLE):c.4898T>G (p.Ile1633Ser)

Gene: POLE (DNA polymerase epsilon, catalytic subunit; minus strand). Cytogenetic location: 12q24.33.
Variant type: single nucleotide variant.
Coding change: c.4898T>G on transcript NM_006231.4 (MANE Select); coding-DNA position 4898, T replaced by G.
Protein change: p.Ile1633Ser; replaces isoleucine 1633 with serine.
Molecular consequence: missense variant.
Genome position (GRCh38, 1-based): chr12:132,642,560, A>C on the plus strand (T>G on the coding strand, the complement: POLE is on the minus strand). VCF-style: chr12-132642560-A-C. GRCh37 (hg19) VCF-style: chr12-133219146-A-C.
Other names: short protein forms I1633S.
Identifiers: ClinVar variation 3225468 (VCV003225468.1), dbSNP rs2541885613, ClinGen allele CA387377981.